The following is an entry in ClinVar:

NM_000485.3(APRT):c.341A>C (p.Lys114Thr)

Gene: APRT (adenine phosphoribosyltransferase; minus strand). Cytogenetic location: 16q24.3.
Variant type: single nucleotide variant.
Coding change: c.341A>C on transcript NM_000485.3 (MANE Select); coding-DNA position 341, A replaced by C.
Protein change: p.Lys114Thr; replaces lysine 114 with threonine.
Molecular consequence: missense variant.
Genome position (GRCh38, 1-based): chr16:88,810,129, T>G on the plus strand (A>C on the coding strand, the complement: APRT is on the minus strand). VCF-style: chr16-88810129-T-G. GRCh37 (hg19) VCF-style: chr16-88876537-T-G.
Other names: c.341A>C, p.Lys114Thr (NM_001030018.2); short protein forms K114T.
Identifiers: ClinVar variation 4979735 (VCV004979735.1).

ClinVar aggregate classification (germline): Likely benign (1 of 4 stars; one submission).

Conditions:
APRT-related disorder. Also called: APRT-related condition.

gnomAD v4.1: 124 of 1,613,244 alleles (0.0077%); highest among the groups gnomAD compares: African/African-American, 0.16%; 1 homozygote.

Submission:

PreventionGenetics, part of Exact Sciences
Classification: Likely benign for APRT-related condition. Last evaluated: 2025-03-01. Review status: criteria provided, single submitter. Criteria: ACMG Guidelines, 2015. Collection method: clinical testing. Allele origin: germline.
Comment: This variant is classified as likely benign based on ACMG/AMP sequence variant interpretation guidelines (Richards et al. 2015 PMID: 25741868, with internal and published modifications).